The following is an entry in ClinVar:

ClinVar aggregate classification (germline): Benign. Review status: criteria provided, multiple submitters, no conflicts (2 of 4 stars). 4 submissions from 4 submitters: Benign (4). Last evaluated 2023-11-12.

Conditions:
Combined immunodeficiency due to DOCK8 deficiency (HIES2). Also called: Hyper-IgE recurrent infection syndrome, autosomal recessive; HYPER-IgE SYNDROME 2, AUTOSOMAL RECESSIVE, WITH RECURRENT INFECTIONS; HIES autosomal recessive; HYPER-IgE RECURRENT INFECTION SYNDROME 2, AUTOSOMAL RECESSIVE; DOCK8 Deficiency. Identifiers: Orphanet 217390, MedGen C4722305, MONDO:0009478, OMIM 243700.

Allele frequency attached by ClinVar (database versions not stated): TOPMed 0.57289; gnomAD 0.57714 and 0.58904; 1000 Genomes Project 30x 0.60337; 1000 Genomes Project 0.61562; gnomAD exomes 0.70674.
gnomAD v4.1: 1,110,887 of 1,598,292 alleles (70%); highest among the groups gnomAD compares: East Asian, 95%; 396,268 homozygotes.

Submissions (4):

Unidad de Genómica Garrahan, Hospital de Pediatría Garrahan
Classification: Benign. Last evaluated: 2023-11-12. Review status: criteria provided, single submitter. Criteria: ACMG Guidelines, 2015. Collection method: clinical testing. Allele origin: germline. Affected: no. Observed: 81 variant alleles.
Comment: This variant is classified as Benign based on local population frequency. This variant was detected in 84% of patients studied by a panel of primary immunodeficiencies. Number of patients: 81. Only high quality variants are reported.

Genome-Nilou Lab
Classification: Benign for Combined immunodeficiency due to DOCK8 deficiency. Last evaluated: 2021-07-14. Review status: criteria provided, single submitter. Criteria: ACMG Guidelines, 2015. Collection method: clinical testing. Allele origin: germline. Affected: no.

GeneDx
Classification: Benign. Last evaluated: 2018-06-26. Review status: criteria provided, single submitter. Criteria: GeneDx Variant Classification Process June 2021. Collection method: clinical testing. Allele origin: germline. Affected: yes.

Breakthrough Genomics
Classification: Benign. Review status: criteria provided, single submitter. Criteria: ACMG Guidelines, 2015. Collection method: not provided. Allele origin: germline. Inheritance: Autosomal recessive inheritance. Affected: yes.

NM_203447.4(DOCK8):c.5223+65G>C

Gene: DOCK8 (dedicator of cytokinesis 8; plus strand). Cytogenetic location: 9p24.3.
Variant type: single nucleotide variant.
Coding change: c.5223+65G>C on transcript NM_203447.4 (MANE Select); 65 bases into the intron after coding-DNA position 5223, G replaced by C.
Molecular consequence: intron variant.
Genome position (GRCh38, 1-based): chr9:439,453, G>C. VCF-style: chr9-439453-G-C. GRCh37 (hg19) VCF-style: chr9-439453-G-C.
Other names: c.5019+65G>C (NM_001193536.2); c.4923+65G>C (NM_001190458.2).
Identifiers: ClinVar variation 1178354 (VCV001178354.7), dbSNP rs10758598, ClinGen allele CA13005043.